The following is an entry in ClinVar:

ClinVar aggregate classification (germline): Likely benign. Review status: criteria provided, single submitter (1 of 4 stars). 2 submissions from 2 submitters: Likely benign (1). 1 of the submissions does not count toward it. Last evaluated 2023-12-15.

Conditions:
Inborn genetic diseases. Identifiers: MedGen C0950123, MeSH D030342.
AHDC1-related disorder. Also called: AHDC1-related condition.

Allele frequency attached by ClinVar (database versions not stated): gnomAD exomes 0.00002; ExAC 0.00004; TOPMed 0.00004; ESP Exome Variant Server 0.00008; gnomAD 0.00008.
gnomAD v4.1: 37 of 1,603,112 alleles (0.0023%); highest among the groups gnomAD compares: East Asian, 0.036%; no homozygotes.

Submissions (2):

Ambry Genetics
Classification: Likely benign for Inborn genetic diseases. Last evaluated: 2023-12-15. Review status: criteria provided, single submitter. Criteria: Ambry Variant Classification Scheme 2023. Collection method: clinical testing. Allele origin: germline.

PreventionGenetics, part of Exact Sciences
Classification: Likely benign for AHDC1-related condition. Last evaluated: 2022-08-09. Review status: no assertion criteria provided. Collection method: clinical testing. Allele origin: germline. Not counted in ClinVar's aggregate classification.
Comment: This variant is classified as likely benign based on ACMG/AMP sequence variant interpretation guidelines (Richards et al. 2015 PMID: 25741868, with internal and published modifications).

NM_001371928.1(AHDC1):c.2849C>T (p.Pro950Leu)

Gene: AHDC1 (AT-hook DNA binding motif containing 1; minus strand). Cytogenetic location: 1p36.11.
Variant type: single nucleotide variant.
Coding change: c.2849C>T on transcript NM_001371928.1 (MANE Select); coding-DNA position 2849, C replaced by T.
Protein change: p.Pro950Leu; replaces proline 950 with leucine.
Molecular consequence: missense variant.
Genome position (GRCh38, 1-based): chr1:27,549,267, G>A on the plus strand (C>T on the coding strand, the complement: AHDC1 is on the minus strand). VCF-style: chr1-27549267-G-A. GRCh37 (hg19) VCF-style: chr1-27875778-G-A.
Other names: c.2849C>T, p.Pro950Leu (NM_001029882.3); c.2849C>T (NM_001029882.2); short protein forms P950L.
Identifiers: ClinVar variation 3057544 (VCV003057544.3), dbSNP rs375179294, ClinGen allele CA715679.
Genomic context (GRCh38, chr1:27,549,267, plus strand): 5'-TGGGGCAGGTAGGTGTTGGCAGGCGGGTGGGTGGTAGGTGAGCGGGCCATGGCTGAGGGC[G>A]GGGGCACCAGCTTGGGGAAGGTCTCGGCTGCCCGGCAGTCTGAAGCGGCTGGAGTTAGCC-3'
Protein context (NP_001358857.1, residues 940-960): AAETFPKLVP[Pro950Leu]PSAMARSPTT